The following is an entry in ClinVar:

NM_002335.4(LRP5):c.4228_4242del (p.Val1410_Arg1414del)

Gene: LRP5 (LDL receptor related protein 5; plus strand). Cytogenetic location: 11q13.2.
Variant type: Deletion.
Coding change: c.4228_4242del on transcript NM_002335.4 (MANE Select); coding-DNA positions 4228 to 4242, 15 bases deleted (GTGGTGTGCCAGCGC).
Protein change: p.Val1410_Arg1414del.
Molecular consequence: inframe deletion.
Genome position (GRCh38, 1-based): chr11:68,438,562-68,438,576, GTGGTGTGCCAGCGC deleted; deleting any 15 consecutive bases within chr11:68,438,550-68,438,576 gives the same sequence; the c. name uses the placement nearest the transcript's 3' end. VCF-style (leftmost placement, unchanged base first): chr11-68438549-TGTGTGCCAGCGCGTG-T. GRCh37 (hg19) VCF-style: chr11-68206017-TGTGTGCCAGCGCGTG-T.
Other names: c.2485_2499del, p.Val829_Arg833del (NM_001291902.2).
Identifiers: ClinVar variation 2056449 (VCV002056449.4), dbSNP rs749080949, ClinGen allele CA600239226.

ClinVar aggregate classification (germline): Uncertain significance (1 of 4 stars; one submission).

Submission:

Labcorp Genetics (formerly Invitae), Labcorp
Classification: Uncertain significance. Last evaluated: 2022-08-10. Review status: criteria provided, single submitter. Criteria: Invitae Variant Classification Sherloc (09022015). Collection method: clinical testing. Allele origin: germline.
Comment: In summary, the available evidence is currently insufficient to determine the role of this variant in disease. Therefore, it has been classified as a Variant of Uncertain Significance. Experimental studies and prediction algorithms are not available or were not evaluated, and the functional significance of this variant is currently unknown. This variant has not been reported in the literature in individuals affected with LRP5-related conditions. This variant is present in population databases (no rsID available, gnomAD 0.0008%). This variant, c.4228_4242del, results in the deletion of 5 amino acid(s) of the LRP5 protein (p.Val1410_Arg1414del), but otherwise preserves the integrity of the reading frame.